The following is an entry in ClinVar:

ClinVar aggregate classification (germline): Likely benign (1 of 4 stars; one submission).

gnomAD v4.1: 297 of 1,612,768 alleles (0.018%); highest among the groups gnomAD compares: South Asian, 0.31%; 3 homozygotes.

Submission:

CeGaT Center for Human Genetics Tuebingen
Classification: Likely benign. Last evaluated: 2025-06-01. Review status: criteria provided, single submitter. Criteria: CeGaT Center For Human Genetics Tuebingen Variant Classification Criteria Version 2. Collection method: clinical testing. Allele origin: germline. Affected: yes. Observed: 1 variant allele.
Comment: ABHD11: BP4, BP7

NM_148912.4(ABHD11):c.225C>T (p.Ser75=)

Gene: ABHD11 (abhydrolase domain containing 11; minus strand). Cytogenetic location: 7q11.23.
Variant type: single nucleotide variant.
Coding change: c.225C>T on transcript NM_148912.4 (MANE Select); coding-DNA position 225, C replaced by T.
Protein change: p.Ser75=; no amino-acid change (serine 75 retained).
Molecular consequence: synonymous variant. On other transcripts: non-coding transcript variant (2).
Genome position (GRCh38, 1-based): chr7:73,738,364, G>A on the plus strand (C>T on the coding strand, the complement: ABHD11 is on the minus strand). VCF-style: chr7-73738364-G-A. GRCh37 (hg19) VCF-style: chr7-73152694-G-A.
Other names: c.225C>T, p.Ser75= (NM_001145364.3, NM_001301058.2); c.204C>T, p.Ser68= (NM_148913.4).
Identifiers: ClinVar variation 3905280 (VCV003905280.10).